The following is an entry in ClinVar:

NM_000540.3(RYR1):c.14317G>T (p.Asp4773Tyr)

Gene: RYR1 (ryanodine receptor 1; plus strand). Cytogenetic location: 19q13.2.
Variant type: single nucleotide variant.
Coding change: c.14317G>T on transcript NM_000540.3 (MANE Select); coding-DNA position 14317, G replaced by T.
Protein change: p.Asp4773Tyr; replaces aspartic acid 4773 with tyrosine.
Molecular consequence: missense variant.
Genome position (GRCh38, 1-based): chr19:38,578,157, G>T. VCF-style: chr19-38578157-G-T. GRCh37 (hg19) VCF-style: chr19-39068797-G-T.
Other names: c.14302G>T, p.Asp4768Tyr (NM_001042723.2); short protein forms D4773Y, D4768Y.
Identifiers: ClinVar variation 1902798 (VCV001902798.3), dbSNP rs754844157, ClinGen allele CA061111.

ClinVar aggregate classification (germline): Uncertain significance. Review status: criteria provided, multiple submitters, no conflicts (2 of 4 stars). 2 submissions from 2 submitters: Uncertain significance (2). Last evaluated 2023-04-10.

Conditions:
RYR1-related disorder. Also called: RYR1-related disorders; RYR1-related condition. Identifiers: MedGen CN239331.
Malignant hyperthermia, susceptibility to, 1 (MHS1). Also called: Anesthesia related hyperthermia; Malignant hyperpyrexia; Fulminating hyperpyrexia; Pharmacogenic myopathy; RYR1-Related Malignant Hyperthermia Susceptibility; Malignant hyperthermia suceptibility 1. Identifiers: Orphanet 423, MedGen C2930980, MONDO:0007783, OMIM 145600.

Allele frequency attached by ClinVar (database versions not stated): TOPMed 0.00001.
gnomAD v4.1: 1 of 1,613,464 alleles (0.000062%); highest among the groups gnomAD compares: Admixed American, 0.0017%; no homozygotes.

Submissions (2):

All of Us Research Program, National Institutes of Health
Classification: Uncertain significance for Malignant hyperthermia, susceptibility to, 1. Last evaluated: 2023-04-10. Review status: criteria provided, single submitter. Criteria: ACMG Guidelines, 2015. Collection method: clinical testing. Allele origin: germline. Inheritance: Autosomal dominant inheritance. Observed: 1 variant allele, 1 heterozygote.
Comment: This missense variant replaces aspartic acid with tyrosine at codon 4773 of the RYR1 protein. Computational prediction suggests that this variant may have deleterious impact on protein structure and function (internally defined REVEL score threshold >= 0.7, PMID: 27666373). To our knowledge, functional studies have not been reported for this variant. This variant has not been reported in individuals affected with RYR1-related disorders in the literature. This variant has not been identified in the general population by the Genome Aggregation Database (gnomAD). The available evidence is insufficient to determine the role of this variant in disease conclusively. Therefore, this variant is classified as a Variant of Uncertain Significance.

This study involves interpretation of variants in research participants for the purpose of population health screening. Participant phenotype was not available at the time of variant classification. Additional details can be found in publication PMID: 35346344, PMCID: PMC8962531

Labcorp Genetics (formerly Invitae), Labcorp
Classification: Uncertain significance for RYR1-related disorder. Last evaluated: 2022-07-11. Review status: criteria provided, single submitter. Criteria: Invitae Variant Classification Sherloc (09022015). Collection method: clinical testing. Allele origin: germline.
Comment: This sequence change replaces aspartic acid, which is acidic and polar, with tyrosine, which is neutral and polar, at codon 4773 of the RYR1 protein (p.Asp4773Tyr). This variant is not present in population databases (gnomAD no frequency). This variant has not been reported in the literature in individuals affected with RYR1-related conditions. Advanced modeling of protein sequence and biophysical properties (such as structural, functional, and spatial information, amino acid conservation, physicochemical variation, residue mobility, and thermodynamic stability) performed at Invitae indicates that this missense variant is expected to disrupt RYR1 protein function. In summary, the available evidence is currently insufficient to determine the role of this variant in disease. Therefore, it has been classified as a Variant of Uncertain Significance.